The following is an entry in ClinVar:

NM_022336.4(EDAR):c.166C>T (p.Pro56Ser)

Genes: EDAR (ectodysplasin A receptor; minus strand), RANBP2 (RAN binding protein 2; plus strand). Cytogenetic location: 2q13.
Variant type: single nucleotide variant.
Coding change: c.166C>T on transcript NM_022336.4 (MANE Select); coding-DNA position 166, C replaced by T.
Protein change: p.Pro56Ser; replaces proline 56 with serine.
Molecular consequence: missense variant.
Genome position (GRCh38, 1-based): chr2:108,930,128, G>A on the plus strand (C>T on the coding strand, the complement: EDAR is on the minus strand). VCF-style: chr2-108930128-G-A. GRCh37 (hg19) VCF-style: chr2-109546584-G-A.
Other names: short protein forms P56S.
Identifiers: ClinVar variation 532546 (VCV000532546.10), dbSNP rs1553448523, ClinGen allele CA348115952.

ClinVar aggregate classification (germline): Uncertain significance (1 of 4 stars; one submission).

Conditions:
Ectodermal dysplasia 10A, hypohidrotic/hair/nail type, autosomal dominant (ECTD10A). Also called: Ectodermal Dysplasia 3, Anhidrotic. Identifiers: Orphanet 1810, Orphanet 238468, MedGen C3888065, MONDO:0007509, OMIM 129490.
Autosomal recessive hypohidrotic ectodermal dysplasia syndrome. Also called: Autosomal recessive hypohidrotic ectodermal dysplasia. Identifiers: Orphanet 248, MedGen C0406702, MONDO:0016619.

Allele frequency attached by ClinVar (database versions not stated): gnomAD exomes below 0.00001.
gnomAD v4.1: 1 of 1,613,654 alleles (0.000062%); highest among the groups gnomAD compares: Non-Finnish European, 0.000085%; no homozygotes.

Submission:

Labcorp Genetics (formerly Invitae), Labcorp
Classification: Uncertain significance for Ectodermal dysplasia 10A, hypohidrotic/hair/nail type, autosomal dominant; Autosomal recessive hypohidrotic ectodermal dysplasia syndrome. Last evaluated: 2020-08-03. Review status: criteria provided, single submitter. Criteria: Invitae Variant Classification Sherloc (09022015). Collection method: clinical testing. Allele origin: germline.
Comment: This sequence change replaces proline with serine at codon 56 of the EDAR protein (p.Pro56Ser). The proline residue is highly conserved and there is a moderate physicochemical difference between proline and serine. This variant is not present in population databases (ExAC no frequency). This variant has not been reported in the literature in individuals with EDAR-related disease. Algorithms developed to predict the effect of missense changes on protein structure and function do not agree on the potential impact of this missense change (SIFT: "Deleterious"; PolyPhen-2: "Probably Damaging"; Align-GVGD: "Class C0"). In summary, the available evidence is currently insufficient to determine the role of this variant in disease. Therefore, it has been classified as a Variant of Uncertain Significance.